The following is an entry in ClinVar:

ClinVar aggregate classification (germline): Pathogenic/Likely pathogenic. Review status: criteria provided, multiple submitters, no conflicts (2 of 4 stars). 3 submissions from 3 submitters: Pathogenic (1); Likely pathogenic (2). Last evaluated 2025-06-17.

Conditions:
Deficiency of isobutyryl-CoA dehydrogenase. Also called: ACYL-CoA DEHYDROGENASE FAMILY, MEMBER 8, DEFICIENCY OF; IBD DEFICIENCY; ACAD8 DEFICIENCY. Identifiers: Orphanet 79159, MedGen C1969809, MONDO:0012648, OMIM 611283.

Allele frequency attached by ClinVar (database versions not stated): gnomAD 0.00001; TOPMed 0.00002; gnomAD exomes 0.00003; ExAC 0.00004.

Submissions (3):

Labcorp Genetics (formerly Invitae), Labcorp
Classification: Likely pathogenic for Deficiency of isobutyryl-CoA dehydrogenase. Last evaluated: 2025-06-17. Review status: criteria provided, single submitter. Criteria: Invitae Variant Classification Sherloc (09022015). Collection method: clinical testing. Allele origin: germline.
Comment: This sequence change affects the initiator codon of the ACAD8 mRNA. This change may impact translation initiation or efficiency. The next in-frame methionine is located at codon 39. This variant is present in population databases (rs767041100, gnomAD 0.02%). Disruption of the initiator codon has been observed in individual(s) with isobutyryl-CoA dehydrogenase deficiency (PMID: 17924841, 24635911, 30626930). In at least one individual the data is consistent with being in trans (on the opposite chromosome) from a pathogenic variant. ClinVar contains an entry for this variant (Variation ID: 566782). In summary, the currently available evidence indicates that the variant is pathogenic, but additional data are needed to prove that conclusively. Therefore, this variant has been classified as Likely Pathogenic.

GeneDx
Classification: Pathogenic. Last evaluated: 2024-06-09. Review status: criteria provided, single submitter. Criteria: GeneDx Variant Classification Process June 2021. Collection method: clinical testing. Allele origin: germline. Affected: yes.
Comment: Initiation codon variant in a gene for which loss of function is a known mechanism of disease; Reported in an individual from a cohort of positive newborn screening that underwent whole exome sequencing in the published literature; however, clinical information was not provided (PMID: 32778825); This variant is associated with the following publications: (PMID: 30626930, 24635911, 32778825, 17924841)

Baylor Genetics
Classification: Likely pathogenic for Deficiency of isobutyryl-CoA dehydrogenase. Review status: criteria provided, single submitter. Criteria: ACMG Guidelines, 2015. Collection method: clinical testing. Allele origin: unknown.

Literature cited by the submitters: PubMed 17924841 (cited by Labcorp Genetics (formerly Invitae), Labcorp); PubMed 24635911 (cited by Labcorp Genetics (formerly Invitae), Labcorp); PubMed 30626930 (cited by Labcorp Genetics (formerly Invitae), Labcorp).

NM_014384.3(ACAD8):c.2T>C (p.Met1Thr)

Gene: ACAD8 (acyl-CoA dehydrogenase family member 8; plus strand). Cytogenetic location: 11q25.
Variant type: single nucleotide variant.
Coding change: c.2T>C on transcript NM_014384.3 (MANE Select); coding-DNA position 2, T replaced by C.
Protein change: p.Met1Thr; changes the start codon (methionine 1).
Molecular consequence: missense variant, initiator codon variant.
Genome position (GRCh38, 1-based): chr11:134,253,602, T>C. VCF-style: chr11-134253602-T-C. GRCh37 (hg19) VCF-style: chr11-134123496-T-C.
Other names: short protein forms M1T.
Identifiers: ClinVar variation 566782 (VCV000566782.13), dbSNP rs767041100, ClinGen allele CA6372799.